The following is an entry in ClinVar:

ClinVar aggregate classification (germline): Uncertain significance. Review status: criteria provided, multiple submitters, no conflicts (2 of 4 stars). 2 submissions from 2 submitters: Uncertain significance (2). Last evaluated 2025-10-19.

Conditions:
Inborn genetic diseases. Identifiers: MedGen C0950123, MeSH D030342.

Allele frequency attached by ClinVar (database versions not stated): gnomAD 0.00004 and 0.00005; ExAC 0.00005.
gnomAD v4.1: 145 of 1,613,990 alleles (0.009%); highest among the groups gnomAD compares: Non-Finnish European, 0.012%; no homozygotes.

Submissions (2):

Labcorp Genetics (formerly Invitae), Labcorp
Classification: Uncertain significance. Last evaluated: 2025-10-19. Review status: criteria provided, single submitter. Criteria: Invitae Variant Classification Sherloc (09022015). Collection method: clinical testing. Allele origin: germline.
Comment: This sequence change replaces alanine, which is neutral and non-polar, with threonine, which is neutral and polar, at codon 20 of the SYT2 protein (p.Ala20Thr). This variant is present in population databases (rs764945265, gnomAD 0.008%). This variant has not been reported in the literature in individuals affected with SYT2-related conditions. ClinVar contains an entry for this variant (Variation ID: 1366377). An algorithm developed to predict the effect of missense changes on protein structure and function outputs the following: PolyPhen-2: "Benign". The threonine amino acid residue is found in multiple mammalian species, which suggests that this missense change does not adversely affect protein function. In summary, the available evidence is currently insufficient to determine the role of this variant in disease. Therefore, it has been classified as a Variant of Uncertain Significance.

Ambry Genetics
Classification: Uncertain significance for Inborn genetic diseases. Last evaluated: 2024-06-26. Review status: criteria provided, single submitter. Criteria: Ambry Variant Classification Scheme 2023. Collection method: clinical testing. Allele origin: germline.

NM_177402.5(SYT2):c.58G>A (p.Ala20Thr)

Gene: SYT2 (synaptotagmin 2; minus strand). Cytogenetic location: 1q32.1.
Variant type: single nucleotide variant.
Coding change: c.58G>A on transcript NM_177402.5 (MANE Select); coding-DNA position 58, G replaced by A.
Protein change: p.Ala20Thr; replaces alanine 20 with threonine.
Molecular consequence: missense variant.
Genome position (GRCh38, 1-based): chr1:202,605,715, C>T on the plus strand (G>A on the coding strand, the complement: SYT2 is on the minus strand). VCF-style: chr1-202605715-C-T. GRCh37 (hg19) VCF-style: chr1-202574843-C-T.
Other names: c.58G>A, p.Ala20Thr (NM_001136504.1); short protein forms A20T.
Identifiers: ClinVar variation 1366377 (VCV001366377.7), dbSNP rs764945265, ClinGen allele CA1333874.